The following is an entry in ClinVar:

ClinVar aggregate classification (germline): Uncertain significance (1 of 4 stars; one submission).

Conditions:
Bardet-Biedl syndrome (BBS). Identifiers: Orphanet 110, MedGen C0752166, MONDO:0015229.

Allele frequency attached by ClinVar (database versions not stated): gnomAD exomes below 0.00001.
gnomAD v4.1: 1 of 1,613,502 alleles (0.000062%); highest among the groups gnomAD compares: Non-Finnish European, 0.000085%; no homozygotes.

Submission:

Labcorp Genetics (formerly Invitae), Labcorp
Classification: Uncertain significance for Bardet-Biedl syndrome. Last evaluated: 2022-03-10. Review status: criteria provided, single submitter. Criteria: Invitae Variant Classification Sherloc (09022015). Collection method: clinical testing. Allele origin: germline.
Comment: In summary, the available evidence is currently insufficient to determine the role of this variant in disease. Therefore, it has been classified as a Variant of Uncertain Significance. Algorithms developed to predict the effect of missense changes on protein structure and function are either unavailable or do not agree on the potential impact of this missense change (SIFT: "Deleterious"; PolyPhen-2: "Benign"; Align-GVGD: "Class C0"). ClinVar contains an entry for this variant (Variation ID: 938356). This variant has not been reported in the literature in individuals affected with TTC8-related conditions. This variant is not present in population databases (gnomAD no frequency). This sequence change replaces threonine, which is neutral and polar, with lysine, which is basic and polar, at codon 28 of the TTC8 protein (p.Thr28Lys).

NM_144596.4(TTC8):c.83C>A (p.Thr28Lys)

Gene: TTC8 (tetratricopeptide repeat domain 8; plus strand). Cytogenetic location: 14q31.3.
Variant type: single nucleotide variant.
Coding change: c.83C>A on transcript NM_144596.4 (MANE Select); coding-DNA position 83, C replaced by A.
Protein change: p.Thr28Lys; replaces threonine 28 with lysine.
Molecular consequence: missense variant. On other transcripts: 5 prime UTR variant (2), non-coding transcript variant (1).
Genome position (GRCh38, 1-based): chr14:88,824,790, C>A. VCF-style: chr14-88824790-C-A. GRCh37 (hg19) VCF-style: chr14-89291134-C-A.
Other names: c.83C>A, p.Thr28Lys (NM_001288781.1, NM_001366535.2, NM_001366536.2 and 2 more transcripts); c.-480C>A (NM_001288782.1); c.-575C>A (NM_001288783.1); short protein forms T28K.
Identifiers: ClinVar variation 938356 (VCV000938356.9), dbSNP rs1169043172, ClinGen allele CA390567862.